The following is an entry in ClinVar:

ClinVar aggregate classification (germline): Pathogenic (1 of 4 stars; one submission).

Conditions:
Koolen-de Vries syndrome (KDVS). Identifiers: Orphanet 96169, MedGen C1864871, MONDO:0012496, OMIM 610443.

Submission:

Labcorp Genetics (formerly Invitae), Labcorp
Classification: Pathogenic for Koolen-de Vries syndrome. Last evaluated: 2023-12-12. Review status: criteria provided, single submitter. Criteria: Invitae Variant Classification Sherloc (09022015). Collection method: clinical testing. Allele origin: unknown.
Comment: This variant is a gross deletion of the genomic region encompassing exon(s) 4-15 of the KANSL1 gene, which includes the termination codon. This deletion extends beyond the assayed region for this gene and therefore may encompass additional genes. While this deletion is not anticipated to lead to nonsense mediated decay, it is expected to alter mRNA translation or result in a truncated protein product. A similar copy number variant has been observed in individuals with clinical features of KANSL1-related conditions (Invitae). This variant disrupts a region of the KANSL1 protein in which other variant(s) (p.Ala590Arg) have been determined to be pathogenic (Invitae). This suggests that this is a clinically significant region of the protein, and that variants that disrupt it are likely to be disease-causing. For these reasons, this variant has been classified as Pathogenic.

NC_000017.10:g.(?_44108842)_(44159928_?)del

Gene: KANSL1 (KAT8 regulatory NSL complex subunit 1). Cytogenetic location: 17q21.31.
Variant type: Deletion.
Identifiers: ClinVar variation 3243060 (VCV003243060.1).